The following is an entry in ClinVar:

ClinVar aggregate classification (germline): Uncertain significance (1 of 4 stars; one submission).

Conditions:
Aortic aneurysm, familial thoracic 7 (AAT7). Also called: AORTIC DISSECTION, FAMILIAL, WITH OR WITHOUT AORTIC ANEURYSM. Identifiers: MedGen C3151077, MONDO:0013418, OMIM 613780.

gnomAD v4.1: 2 of 1,614,174 alleles (0.00012%); highest among the groups gnomAD compares: South Asian, 0.0022%; no homozygotes.

Submission:

Labcorp Genetics (formerly Invitae), Labcorp
Classification: Uncertain significance for Aortic aneurysm, familial thoracic 7. Last evaluated: 2024-02-17. Review status: criteria provided, single submitter. Criteria: Invitae Variant Classification Sherloc (09022015). Collection method: clinical testing. Allele origin: germline.
Comment: This sequence change replaces serine, which is neutral and polar, with asparagine, which is neutral and polar, at codon 460 of the MYLK protein (p.Ser460Asn). This variant is not present in population databases (gnomAD no frequency). This variant has not been reported in the literature in individuals affected with MYLK-related conditions. Advanced modeling of protein sequence and biophysical properties (such as structural, functional, and spatial information, amino acid conservation, physicochemical variation, residue mobility, and thermodynamic stability) performed at Invitae indicates that this missense variant is not expected to disrupt MYLK protein function with a negative predictive value of 95%. In summary, the available evidence is currently insufficient to determine the role of this variant in disease. Therefore, it has been classified as a Variant of Uncertain Significance.

NM_053025.4(MYLK):c.1379G>A (p.Ser460Asn)

Gene: MYLK (myosin light chain kinase; minus strand). Cytogenetic location: 3q21.1.
Variant type: single nucleotide variant.
Coding change: c.1379G>A on transcript NM_053025.4 (MANE Select); coding-DNA position 1379, G replaced by A.
Protein change: p.Ser460Asn; replaces serine 460 with asparagine.
Molecular consequence: missense variant. On other transcripts: intron variant (2).
Genome position (GRCh38, 1-based): chr3:123,733,033, C>T on the plus strand (G>A on the coding strand, the complement: MYLK is on the minus strand). VCF-style: chr3-123733033-C-T. GRCh37 (hg19) VCF-style: chr3-123451880-C-T.
Other names: c.851G>A, p.Ser284Asn (NM_001321309.2); c.1379G>A, p.Ser460Asn (NM_053027.4); c.1309+654G>A (NM_053028.4, NM_053026.4); short protein forms S284N, S460N.
Identifiers: ClinVar variation 3706627 (VCV003706627.2).